The following is an entry in ClinVar:

ClinVar aggregate classification (germline): Conflicting classifications of pathogenicity. Review status: criteria provided, conflicting classifications (1 of 4 stars). 3 submissions from 3 submitters: Uncertain significance (1); Likely benign (2). Last evaluated 2025-01-01.

Conditions:
Schaaf-Yang syndrome (SHFYNG). Also called: MAGEL2-related Prader-Willi-like syndrome; Arthrogryposis, distal, with hypopituitarism, intellectual disability, and facial anomalies. Identifiers: Orphanet 398069, MedGen C5575066, MONDO:0014243, OMIM 615547.

Allele frequency attached by ClinVar (database versions not stated): TOPMed 0.00001.

Submissions (3):

CeGaT Center for Human Genetics Tuebingen
Classification: Likely benign. Last evaluated: 2025-01-01. Review status: criteria provided, single submitter. Criteria: CeGaT Center For Human Genetics Tuebingen Variant Classification Criteria Version 2. Collection method: clinical testing. Allele origin: germline. Affected: yes. Observed: 1 variant allele.
Comment: MAGEL2: BP4, BP7

Revvity Omics, Revvity
Classification: Uncertain significance for Schaaf-Yang syndrome. Last evaluated: 2023-11-01. Review status: criteria provided, single submitter. Criteria: ACMG Guidelines, 2015. Collection method: clinical testing. Allele origin: germline.

Labcorp Genetics (formerly Invitae), Labcorp
Classification: Likely benign. Last evaluated: 2023-06-20. Review status: criteria provided, single submitter. Criteria: Invitae Variant Classification Sherloc (09022015). Collection method: clinical testing. Allele origin: germline.

NM_019066.5(MAGEL2):c.465G>A (p.Pro155=)

Gene: MAGEL2 (MAGE family member L2; minus strand). Cytogenetic location: 15q11.2.
Variant type: single nucleotide variant.
Coding change: c.465G>A on transcript NM_019066.5 (MANE Select); coding-DNA position 465, G replaced by A.
Protein change: p.Pro155=; no amino-acid change (proline 155 retained).
Molecular consequence: synonymous variant.
Genome position (GRCh38, 1-based): chr15:23,647,278, C>T on the plus strand (G>A on the coding strand, the complement: MAGEL2 is on the minus strand). VCF-style: chr15-23647278-C-T. GRCh37 (hg19) VCF-style: chr15-23892425-C-T.
Identifiers: ClinVar variation 2689391 (VCV002689391.18), dbSNP rs1176104366, ClinGen allele CA617084280.
Genomic context (GRCh38, chr15:23,647,278, plus strand): 5'-CGGAGGAGGAGGATGGGCCATCGGGGTCCCCGGAGGAGGAGGATGGGCCATTGGGGTCCC[C>T]GGAGGGGGAGGGTGGGACATTGGGGTCCCCGGAGGAGGAGGATGGGCCATGGGAGCTCCG-3'
Protein context (NP_061939.3, residues 145-165): PGTPMSHPPP[Pro155=]GTPMAHPPPP